The following is an entry in ClinVar:

NM_001080453.3(INTS1):c.3326C>T (p.Pro1109Leu)

Gene: INTS1 (integrator complex subunit 1; minus strand). Cytogenetic location: 7p22.3.
Variant type: single nucleotide variant.
Coding change: c.3326C>T on transcript NM_001080453.3 (MANE Select); coding-DNA position 3326, C replaced by T.
Protein change: p.Pro1109Leu; replaces proline 1109 with leucine.
Molecular consequence: missense variant.
Genome position (GRCh38, 1-based): chr7:1,484,106, G>A on the plus strand (C>T on the coding strand, the complement: INTS1 is on the minus strand). VCF-style: chr7-1484106-G-A. GRCh37 (hg19) VCF-style: chr7-1523742-G-A.
Other names: c.3326C>T (NM_001080453.2); short protein forms P1109L.
Identifiers: ClinVar variation 2657199 (VCV002657199.26), dbSNP rs200983063, ClinGen allele CA4119365.

ClinVar aggregate classification (germline): Likely benign. Review status: criteria provided, multiple submitters, no conflicts (2 of 4 stars). 3 submissions from 3 submitters: Likely benign (2). 1 of the submissions does not count toward it. Last evaluated 2026-01-01.

Conditions:
INTS1-related disorder. Also called: INTS1-related condition.

Allele frequency attached by ClinVar (database versions not stated): ExAC 0.00143; 1000 Genomes Project 0.00160; TOPMed 0.00162; gnomAD 0.00164; ESP Exome Variant Server 0.00181; gnomAD exomes 0.00229.
gnomAD v4.1: 3,576 of 1,612,484 alleles (0.22%); highest among the groups gnomAD compares: Non-Finnish European, 0.27%; 9 homozygotes.

Submissions (3):

CeGaT Center for Human Genetics Tuebingen
Classification: Likely benign. Last evaluated: 2026-01-01. Review status: criteria provided, single submitter. Criteria: CeGaT Center For Human Genetics Tuebingen Variant Classification Criteria Version 2. Collection method: clinical testing. Allele origin: germline. Affected: yes. Observed: 5 variant alleles.
Comment: INTS1: BP4

Blueprint Genetics
Classification: Likely benign. Last evaluated: 2024-10-11. Review status: criteria provided, single submitter. Criteria: ACMG Guidelines, 2015. Collection method: clinical testing. Allele origin: germline.

PreventionGenetics, part of Exact Sciences
Classification: Likely benign for INTS1-related condition. Last evaluated: 2022-05-10. Review status: no assertion criteria provided. Collection method: clinical testing. Allele origin: germline. Not counted in ClinVar's aggregate classification.
Comment: This variant is classified as likely benign based on ACMG/AMP sequence variant interpretation guidelines (Richards et al. 2015 PMID: 25741868, with internal and published modifications).